The following is an entry in ClinVar:

ClinVar aggregate classification (germline): Uncertain significance (1 of 4 stars; one submission).

Conditions:
Frontometaphyseal dysplasia (FMD1). Identifiers: Orphanet 1826, MedGen C0265293, MONDO:0015942.
Melnick-Needles syndrome (MNS). Also called: MELNICK-NEEDLES OSTEODYSPLASTY; OSTEODYSPLASTY OF MELNICK AND NEEDLES; Melnick-Needles Syndrome (FLNA-MNS). Identifiers: Orphanet 2484, MedGen C0025237, MONDO:0010650, OMIM 309350.
Oto-palato-digital syndrome, type II (OPD2). Also called: FACIOPALATOOSSEOUS SYNDROME; Otopalatodigital Syndrome, Type II; OPD II SYNDROME; Otopalatodigital Syndrome Type 2 (FLNA-OPD2). Identifiers: Orphanet 669, Orphanet 90652, MedGen C1844696, MONDO:0010571, OMIM 304120.
Heterotopia, periventricular, X-linked dominant (PVNH1). Also called: PERIVENTRICULAR NODULAR HETEROTOPIA 1; X-linked periventricular heterotopia; PERIVENTRICULAR NODULAR HETEROTOPIA 4; HETEROTOPIA, PERIVENTRICULAR, 1. Identifiers: Orphanet 2149, Orphanet 82004, MedGen C1848213, MONDO:0010233, OMIM 300049.

Submission:

Labcorp Genetics (formerly Invitae), Labcorp
Classification: Uncertain significance for Oto-palato-digital syndrome, type II; Heterotopia, periventricular, X-linked dominant; Frontometaphyseal dysplasia; Melnick-Needles syndrome. Last evaluated: 2020-08-23. Review status: criteria provided, single submitter. Criteria: Invitae Variant Classification Sherloc (09022015). Collection method: clinical testing. Allele origin: germline.
Comment: This sequence change replaces alanine with serine at codon 1893 of the FLNA protein (p.Ala1893Ser). The alanine residue is highly conserved and there is a moderate physicochemical difference between alanine and serine. This variant is not present in population databases (ExAC no frequency). This variant has not been reported in the literature in individuals with FLNA-related conditions. Advanced modeling of protein sequence and biophysical properties (such as structural, functional, and spatial information, amino acid conservation, physicochemical variation, residue mobility, and thermodynamic stability) performed at Invitae indicates that this missense variant is not expected to disrupt FLNA protein function. In summary, the available evidence is currently insufficient to determine the role of this variant in disease. Therefore, it has been classified as a Variant of Uncertain Significance.

NM_001110556.2(FLNA):c.5701G>T (p.Ala1901Ser)

Gene: FLNA (filamin A; minus strand). Cytogenetic location: Xq28.
Variant type: single nucleotide variant.
Coding change: c.5701G>T on transcript NM_001110556.2 (MANE Select); coding-DNA position 5701, G replaced by T.
Protein change: p.Ala1901Ser; replaces alanine 1901 with serine.
Molecular consequence: missense variant.
Genome position (GRCh38, 1-based): chrX:154,353,713, C>A on the plus strand (G>T on the coding strand, the complement: FLNA is on the minus strand). VCF-style: chrX-154353713-C-A. GRCh37 (hg19) VCF-style: chrX-153582081-C-A.
Other names: c.5677G>T, p.Ala1893Ser (NM_001456.4); short protein forms A1893S, A1901S.
Identifiers: ClinVar variation 999558 (VCV000999558.9), dbSNP rs2067640521, ClinGen allele CA415200042.